The following is an entry in ClinVar:

NM_001365999.1(SZT2):c.2170C>T (p.Pro724Ser)

Gene: SZT2 (SZT2 subunit of KICSTOR complex; plus strand). Cytogenetic location: 1p34.2.
Variant type: single nucleotide variant.
Coding change: c.2170C>T on transcript NM_001365999.1 (MANE Select); coding-DNA position 2170, C replaced by T.
Protein change: p.Pro724Ser; replaces proline 724 with serine.
Molecular consequence: missense variant.
Genome position (GRCh38, 1-based): chr1:43,423,231, C>T. VCF-style: chr1-43423231-C-T. GRCh37 (hg19) VCF-style: chr1-43888902-C-T.
Other names: c.2170C>T, p.Pro724Ser (NM_015284.4); c.2170C>T (NM_015284.3); short protein forms P724S.
Identifiers: ClinVar variation 1044257 (VCV001044257.6), dbSNP rs752789547, ClinGen allele CA21630726.
Genomic context (GRCh38, chr1:43,423,231, plus strand): 5'-CCCAAGGTGAAACGAAAAGGGCTAGGGGGTGCTGGTGGGGGCAGCTCTCCCTCCAAGTCA[C>T]CCCCCGTGCTGGGGCCACAGCAGGCCCTGTCTGACCGGCCCTGCCTTGTGGTCCTGCATA-3'
Protein context (NP_001352928.1, residues 714-734): AGGGSSPSKS[Pro724Ser]PVLGPQQALS

ClinVar aggregate classification (germline): Conflicting classifications of pathogenicity. Review status: criteria provided, conflicting classifications (1 of 4 stars). 2 submissions from 2 submitters: Uncertain significance (1); Likely benign (1). Last evaluated 2022-05-27.

Conditions:
Inborn genetic diseases. Identifiers: MedGen C0950123, MeSH D030342.

Allele frequency attached by ClinVar (database versions not stated): TOPMed 0.00001; gnomAD 0.00002.
gnomAD v4.1: 8 of 1,593,190 alleles (0.0005%); highest among the groups gnomAD compares: African/African-American, 0.004%; no homozygotes.

Submissions (2):

Ambry Genetics
Classification: Likely benign for Inborn genetic diseases. Last evaluated: 2022-05-27. Review status: criteria provided, single submitter. Criteria: Ambry Variant Classification Scheme 2023. Collection method: clinical testing. Allele origin: germline.

Labcorp Genetics (formerly Invitae), Labcorp
Classification: Uncertain significance. Last evaluated: 2022-03-19. Review status: criteria provided, single submitter. Criteria: Invitae Variant Classification Sherloc (09022015). Collection method: clinical testing. Allele origin: germline.
Comment: This sequence change replaces proline, which is neutral and non-polar, with serine, which is neutral and polar, at codon 724 of the SZT2 protein (p.Pro724Ser). This variant is present in population databases (no rsID available, gnomAD 0.009%). This variant has not been reported in the literature in individuals affected with SZT2-related conditions. ClinVar contains an entry for this variant (Variation ID: 1044257). Algorithms developed to predict the effect of missense changes on protein structure and function output the following: SIFT: "Tolerated"; PolyPhen-2: "Probably Damaging"; Align-GVGD: "Class C0". The serine amino acid residue is found in multiple mammalian species, which suggests that this missense change does not adversely affect protein function. In summary, the available evidence is currently insufficient to determine the role of this variant in disease. Therefore, it has been classified as a Variant of Uncertain Significance.